The following is an entry in ClinVar:

NM_020822.3(KCNT1):c.3466C>G (p.Arg1156Gly)

Gene: KCNT1 (potassium sodium-activated channel subfamily T member 1; plus strand). Cytogenetic location: 9q34.3.
Variant type: single nucleotide variant.
Coding change: c.3466C>G on transcript NM_020822.3 (MANE Select); coding-DNA position 3466, C replaced by G.
Protein change: p.Arg1156Gly; replaces arginine 1156 with glycine.
Molecular consequence: missense variant.
Genome position (GRCh38, 1-based): chr9:135,786,485, C>G. VCF-style: chr9-135786485-C-G. GRCh37 (hg19) VCF-style: chr9-138678331-C-G.
Other names: c.3331C>G, p.Arg1111Gly (NM_001272003.2); short protein forms R1111G, R1156G.
Identifiers: ClinVar variation 2584873 (VCV002584873.1), dbSNP rs1225832562, ClinGen allele CA375492342.
Genomic context (GRCh38, chr9:135,786,485, plus strand): 5'-CAGCGCCTCAGCCTGTACCGGCGCTCTGAGCGCCAGGAGCTCTCCGAGCTGGTGAAGAAC[C>G]GCATGAAGCACCTGGGGCTGCCCACCACCGGCTACGGTAAGGGCACACGGCGCGGGTGGG-3'
Protein context (NP_065873.2, residues 1146-1166): RQELSELVKN[Arg1156Gly]MKHLGLPTTG

ClinVar aggregate classification (germline): Uncertain significance (1 of 4 stars; one submission).

Conditions:
Developmental and epileptic encephalopathy, 14 (DEE14). Also called: Early infantile epileptic encephalopathy 14. Identifiers: Orphanet 293181, MedGen C3554195, MONDO:0013989, OMIM 614959.

Submission:

Neuberg Centre For Genomic Medicine, NCGM
Classification: Uncertain significance for Developmental and epileptic encephalopathy, 14. Review status: criteria provided, single submitter. Criteria: ACMG Guidelines, 2015. Collection method: clinical testing. Allele origin: germline. Inheritance: Autosomal dominant inheritance. Affected: yes.
Comment: The c.3466C>G (p.Arg1156Gly) missense variant in KCNT1 gene has not been reported previously as a pathogenic variant nor as a benign variant, to our knowledge. This variant is reported with the allele frequency (0.001%) in the gnomad and novel in 1000 genome database. The amino acid Arg at position 1156 is changed to a Gly changing protein sequence and it might alter its composition and physico-chemical properties. The amino acid change p.Arg1156Gly in KCNT1 is predicted as conserved by GERP++ and PhyloP across 100 vertebrates. For these reasons, this variant has been classified as Variant of Uncertain Significance (VUS).